The following is an entry in ClinVar:

NM_032634.4(PIGO):c.2945C>T (p.Ala982Val)

Gene: PIGO (phosphatidylinositol glycan anchor biosynthesis class O; minus strand). Cytogenetic location: 9p13.3.
Variant type: single nucleotide variant.
Coding change: c.2945C>T on transcript NM_032634.4 (MANE Select); coding-DNA position 2945, C replaced by T.
Protein change: p.Ala982Val; replaces alanine 982 with valine.
Molecular consequence: missense variant.
Genome position (GRCh38, 1-based): chr9:35,090,190, G>A on the plus strand (C>T on the coding strand, the complement: PIGO is on the minus strand). VCF-style: chr9-35090190-G-A. GRCh37 (hg19) VCF-style: chr9-35090187-G-A.
Other names: c.1694C>T, p.Ala565Val (NM_001201484.2, NM_152850.4); short protein forms A982V, A565V.
Identifiers: ClinVar variation 2122697 (VCV002122697.4), dbSNP rs1829350332, ClinGen allele CA373317833.
Genomic context (GRCh38, chr9:35,090,190, plus strand): 5'-GGCGCATCCCGGAGCCGCATCTCCATCAGTGGCTCCTCTTCCTCCTCGGGTCTGACTCTG[G>A]CATCAGCTTCATTCCCTGGGGGCTGCTGTCTCTTCCGCAGCCCTTGACTCTCACACAGGA-3'
Protein context (NP_116023.2, residues 972-992): RQQPPGNEAD[Ala982Val]RVRPEEEEEP

ClinVar aggregate classification (germline): Uncertain significance (1 of 4 stars; one submission).

Conditions:
Hyperphosphatasia with impaired intellectual development syndrome 2. Also called: Hyperphosphatasia with intellectual disability syndrome 2; GLYCOSYLPHOSPHATIDYLINOSITOL BIOSYNTHESIS DEFECT 6. Identifiers: Orphanet 247262, MedGen C3553637, MONDO:0013882, OMIM 614749.

Submission:

Labcorp Genetics (formerly Invitae), Labcorp
Classification: Uncertain significance for Hyperphosphatasia with impaired intellectual development syndrome 2. Last evaluated: 2024-10-14. Review status: criteria provided, single submitter. Criteria: Invitae Variant Classification Sherloc (09022015). Collection method: clinical testing. Allele origin: germline.
Comment: This sequence change replaces alanine, which is neutral and non-polar, with valine, which is neutral and non-polar, at codon 982 of the PIGO protein (p.Ala982Val). This variant is not present in population databases (gnomAD no frequency). This variant has not been reported in the literature in individuals affected with PIGO-related conditions. ClinVar contains an entry for this variant (Variation ID: 2122697). Invitae Evidence Modeling of protein sequence and biophysical properties (such as structural, functional, and spatial information, amino acid conservation, physicochemical variation, residue mobility, and thermodynamic stability) indicates that this missense variant is not expected to disrupt PIGO protein function with a negative predictive value of 80%. In summary, the available evidence is currently insufficient to determine the role of this variant in disease. Therefore, it has been classified as a Variant of Uncertain Significance.